The following is an entry in ClinVar:

ClinVar aggregate classification (germline): Conflicting classifications of pathogenicity. Review status: criteria provided, conflicting classifications (1 of 4 stars). 4 submissions from 4 submitters: Uncertain significance (1); Likely benign (2). 1 of the submissions does not count toward it. Last evaluated 2026-01-01.

Conditions:
AR-related disorder. Also called: AR-related condition.
Androgen resistance syndrome (AIS). Also called: DHTR DEFICIENCY; TESTICULAR FEMINIZATION SYNDROME; Androgen insensitivity syndrome; Androgen insensitivity, complete; Androgen insensitivity syndrome due to coactivator deficiency; Androgen insensitivity. Identifiers: Orphanet 754, Orphanet 99429, MedGen C0039585, MONDO:0019154, OMIM 300068. Disease mechanism: loss of function.

Submissions (4):

CeGaT Center for Human Genetics Tuebingen
Classification: Likely benign. Last evaluated: 2026-01-01. Review status: criteria provided, single submitter. Criteria: CeGaT Center For Human Genetics Tuebingen Variant Classification Criteria Version 2. Collection method: clinical testing. Allele origin: germline. Affected: yes. Observed: 2 variant alleles.
Comment: AR: BS2

Blueprint Genetics
Classification: Likely benign. Last evaluated: 2024-11-26. Review status: criteria provided, single submitter. Criteria: ACMG Guidelines, 2015. Collection method: clinical testing. Allele origin: germline.

Genomic Research Center, Shahid Beheshti University of Medical Sciences
Classification: Uncertain significance for Androgen resistance syndrome. Last evaluated: 2019-04-27. Review status: criteria provided, single submitter. Criteria: ACMG Guidelines, 2015. Collection method: clinical testing. Allele origin: unknown. Affected: yes.

PreventionGenetics, part of Exact Sciences
Classification: Benign for AR-related condition. Last evaluated: 2023-01-24. Review status: no assertion criteria provided. Collection method: clinical testing. Allele origin: germline. Not counted in ClinVar's aggregate classification.
Comment: This variant is classified as benign based on ACMG/AMP sequence variant interpretation guidelines (Richards et al. 2015 PMID: 25741868, with internal and published modifications).

NM_000044.6(AR):c.1370GCG[20] (p.Gly471_Gly473dup)

Gene: AR (androgen receptor; plus strand). Cytogenetic location: Xq12.
Variant type: Microsatellite.
Coding change: c.1370GCG[20] on transcript NM_000044.6 (MANE Select); 20 copies in a row of the 3-base unit GCG starting at c.1370; the reference has 17 copies in a row; three copies, 9 bases duplicated.
Protein change: p.Gly471_Gly473dup.
Molecular consequence: inframe insertion. On other transcripts: 5 prime UTR variant (1).
Genome position (GRCh38, 1-based): chrX:67,546,558-67,546,566, GCGGCGGCG duplicated; duplicating any 9 consecutive bases within chrX:67,546,515-67,546,566 gives the same sequence; the position shown is the placement nearest the transcript's 3' end. VCF-style (leftmost placement, unchanged base first): chrX-67546514-T-TGGCGGCGGC. GRCh37 (hg19) VCF-style: chrX-66766356-T-TGGCGGCGGC.
Other names: c.-414GCG[20] (NM_001011645.3); c.1370GCG[20], p.Gly471_Gly473dup (NM_001348061.1, NM_001348063.1, NM_001348064.1); c.1412_1420dup9 (NM_000044.3).
Identifiers: ClinVar variation 638387 (VCV000638387.47), dbSNP rs746853821, ClinGen allele CA877549814.